The following is an entry in ClinVar:

ClinVar aggregate classification (germline): Uncertain significance (1 of 4 stars; one submission).

Conditions:
Alstrom syndrome (ALMS). Identifiers: Orphanet 64, MedGen C0268425, MONDO:0008763, OMIM 203800.

gnomAD v4.1: 2 of 1,613,920 alleles (0.00012%); highest among the groups gnomAD compares: African/African-American, 0.0027%; no homozygotes.

Submission:

Labcorp Genetics (formerly Invitae), Labcorp
Classification: Uncertain significance for Alstrom syndrome. Last evaluated: 2024-02-03. Review status: criteria provided, single submitter. Criteria: Invitae Variant Classification Sherloc (09022015). Collection method: clinical testing. Allele origin: germline.
Comment: This sequence change replaces serine, which is neutral and polar, with tyrosine, which is neutral and polar, at codon 3191 of the ALMS1 protein (p.Ser3191Tyr). This variant is present in population databases (rs777942308, gnomAD 0.007%). This variant has not been reported in the literature in individuals affected with ALMS1-related conditions. Experimental studies and prediction algorithms are not available or were not evaluated, and the functional significance of this variant is currently unknown. In summary, the available evidence is currently insufficient to determine the role of this variant in disease. Therefore, it has been classified as a Variant of Uncertain Significance.

NM_001378454.1(ALMS1):c.9569C>A (p.Ser3190Tyr)

Gene: ALMS1 (ALMS1 centrosome and basal body associated protein; plus strand). Cytogenetic location: 2p13.1.
Variant type: single nucleotide variant.
Coding change: c.9569C>A on transcript NM_001378454.1 (MANE Select); coding-DNA position 9569, C replaced by A.
Protein change: p.Ser3190Tyr; replaces serine 3190 with tyrosine.
Molecular consequence: missense variant.
Genome position (GRCh38, 1-based): chr2:73,519,804, C>A. VCF-style: chr2-73519804-C-A. GRCh37 (hg19) VCF-style: chr2-73746931-C-A.
Other names: c.9572C>A, p.Ser3191Tyr (NM_015120.4); short protein forms S3191Y, S3190Y.
Identifiers: ClinVar variation 3685239 (VCV003685239.2).
Genomic context (GRCh38, chr2:73,519,804, plus strand): 5'-ATCTGCTGTATTCTTTCTCTTTTTTGGTCAGATTACCAGAGAAGATGAAGACCCCACTTT[C>A]TGCTTTCTCTGAAAAATTGTCATCTGATGCAGTCACTCAGATAACAACAGAAAGTCCAGA-3'
Protein context (NP_001365383.1, residues 3180-3200): RLPEKMKTPL[Ser3190Tyr]AFSEKLSSDA